The following is an entry in ClinVar:

ClinVar aggregate classification (germline): Conflicting classifications of pathogenicity. Review status: criteria provided, conflicting classifications (1 of 4 stars). 2 submissions from 2 submitters: Likely pathogenic (1); Uncertain significance (1). Last evaluated 2022-06-27.

Conditions:
Combined oxidative phosphorylation defect type 14. Also called: Combined oxidative phosphorylation deficiency 14. Identifiers: Orphanet 319519, MedGen C4755312, MONDO:0013986, OMIM 614946.

gnomAD v4.1: 1 of 1,613,298 alleles (0.000062%); highest among the groups gnomAD compares: Non-Finnish European, 0.000085%; no homozygotes.

Submissions (2):

Labcorp Genetics (formerly Invitae), Labcorp
Classification: Likely pathogenic for Combined oxidative phosphorylation defect type 14. Last evaluated: 2022-06-27. Review status: criteria provided, single submitter. Criteria: Invitae Variant Classification Sherloc (09022015). Collection method: clinical testing. Allele origin: germline.
Comment: Advanced modeling of protein sequence and biophysical properties (such as structural, functional, and spatial information, amino acid conservation, physicochemical variation, residue mobility, and thermodynamic stability) performed at Invitae indicates that this missense variant is expected to disrupt FARS2 protein function. In summary, the currently available evidence indicates that the variant is pathogenic, but additional data are needed to prove that conclusively. Therefore, this variant has been classified as Likely Pathogenic. ClinVar contains an entry for this variant (Variation ID: 587673). This sequence change replaces arginine, which is basic and polar, with glycine, which is neutral and non-polar, at codon 386 of the FARS2 protein (p.Arg386Gly). This variant is not present in population databases (gnomAD no frequency). This missense change has been observed in individual(s) with early infantile-encephalopathy with epilepsy (PMID: 27549011). In at least one individual the data is consistent with being in trans (on the opposite chromosome) from a pathogenic variant.

Wong Mito Lab, Molecular and Human Genetics, Baylor College of Medicine
Classification: Uncertain significance for Combined oxidative phosphorylation deficiency 14. Last evaluated: 2018-06-13. Review status: criteria provided, single submitter. Criteria: ACMG Guidelines, 2015. Collection method: clinical testing. Allele origin: germline. Affected: yes.

Literature cited by the submitters: PubMed 27549011 (cited by Labcorp Genetics (formerly Invitae), Labcorp and Wong Mito Lab, Molecular and Human Genetics, Baylor College of Medicine).

NM_006567.5(FARS2):c.1156C>G (p.Arg386Gly)

Gene: FARS2 (phenylalanyl-tRNA synthetase 2, mitochondrial; plus strand). Cytogenetic location: 6p25.1.
Variant type: single nucleotide variant.
Coding change: c.1156C>G on transcript NM_006567.5 (MANE Select); coding-DNA position 1156, C replaced by G.
Protein change: p.Arg386Gly; replaces arginine 386 with glycine.
Molecular consequence: missense variant.
Genome position (GRCh38, 1-based): chr6:5,613,259, C>G. VCF-style: chr6-5613259-C-G. GRCh37 (hg19) VCF-style: chr6-5613492-C-G.
Other names: c.1156C>G, p.Arg386Gly (NM_001318872.2, NM_001374875.1, NM_001374876.1 and 4 more transcripts); c.1024C>G, p.Arg342Gly (NM_001375258.1); c.460C>G, p.Arg154Gly (NM_001375259.1, NM_001375260.1); short protein forms R386G, R154G, R342G.
Identifiers: ClinVar variation 587673 (VCV000587673.6), dbSNP rs770597592, ClinGen allele CA362736951.